The following is an entry in ClinVar:

ClinVar aggregate classification (germline): Benign. Review status: criteria provided, multiple submitters, no conflicts (2 of 4 stars). 7 submissions from 7 submitters: Benign (6). 1 of the submissions does not count toward it. Last evaluated 2026-02-03.

Conditions:
Holoprosencephaly 2 (HPE2). Identifiers: Orphanet 2162, MedGen C1834877, MONDO:0007999, OMIM 157170.

Allele frequency attached by ClinVar (database versions not stated): ESP Exome Variant Server 0.01433; gnomAD 0.01666; TOPMed 0.02198; ExAC 0.03053; 1000 Genomes Project 30x 0.03123; 1000 Genomes Project 0.03275.
gnomAD v4.1: 30,746 of 1,596,786 alleles (1.9%); highest among the groups gnomAD compares: Admixed American, 8.1%; 678 homozygotes.

Submissions (7):

Labcorp Genetics (formerly Invitae), Labcorp
Classification: Benign for Holoprosencephaly 2. Last evaluated: 2026-02-03. Review status: criteria provided, single submitter. Criteria: Invitae Variant Classification Sherloc (09022015). Collection method: clinical testing. Allele origin: germline.

ARUP Laboratories, Molecular Genetics and Genomics, ARUP Laboratories
Classification: Benign. Last evaluated: 2023-11-29. Review status: criteria provided, single submitter. Criteria: ARUP Molecular Germline Variant Investigation Process 2024. Collection method: clinical testing. Allele origin: germline.

Athena Diagnostics
Classification: Benign. Last evaluated: 2017-11-14. Review status: criteria provided, single submitter. Criteria: Athena Diagnostics Criteria. Collection method: clinical testing. Allele origin: germline.

GeneDx
Classification: Benign. Last evaluated: 2015-03-03. Review status: criteria provided, single submitter. Criteria: GeneDx Variant Classification Process June 2021. Collection method: clinical testing. Allele origin: germline. Affected: yes.
Comment: This variant is associated with the following publications: (PMID: 32022405)

Breakthrough Genomics
Classification: Benign. Review status: criteria provided, single submitter. Criteria: ACMG Guidelines, 2015. Collection method: not provided. Allele origin: germline. Inheritance: Autosomal dominant inheritance. Affected: yes.

PreventionGenetics, part of Exact Sciences
Classification: Benign. Review status: criteria provided, single submitter. Criteria: ACMG Guidelines, 2015. Collection method: clinical testing. Allele origin: germline.

GeneReviews
Classification: Benign for Holoprosencephaly. Last evaluated: 2013-08-29. Review status: no assertion criteria provided. Collection method: curation. Allele origin: unknown. Not counted in ClinVar's aggregate classification.
ClinVar note: Converted during submission from non-pathogenic to Benign.

NM_005413.4(SIX3):c.90G>T (p.Ala30=)

Gene: SIX3 (SIX homeobox 3; plus strand). Cytogenetic location: 2p21.
Variant type: single nucleotide variant.
Coding change: c.90G>T on transcript NM_005413.4 (MANE Select); coding-DNA position 90, G replaced by T.
Protein change: p.Ala30=; no amino-acid change (alanine 30 retained).
Molecular consequence: synonymous variant.
Genome position (GRCh38, 1-based): chr2:44,942,194, G>T. VCF-style: chr2-44942194-G-T. GRCh37 (hg19) VCF-style: chr2-45169333-G-T.
Other names: 90G>T.
Identifiers: ClinVar variation 65505 (VCV000065505.15), dbSNP rs78018362, ClinGen allele CA344815.